The following is an entry in ClinVar:

NM_001365951.3(KIF1B):c.1777+1G>A

Gene: KIF1B (kinesin family member 1B; plus strand). Cytogenetic location: 1p36.22.
Variant type: single nucleotide variant.
Coding change: c.1777+1G>A on transcript NM_001365951.3 (MANE Select); the canonical splice donor site of the intron after coding-DNA position 1777, G replaced by A.
Molecular consequence: splice donor variant.
Genome position (GRCh38, 1-based): chr1:10,295,767, G>A. VCF-style: chr1-10295767-G-A. GRCh37 (hg19) VCF-style: chr1-10355825-G-A.
Other names: c.1639+1G>A (NM_183416.4, NM_015074.3, NM_001365953.1); c.1777+1G>A (NM_001365952.1).
Identifiers: ClinVar variation 3226363 (VCV003226363.1), dbSNP rs2521391527, ClinGen allele CA338315280.

ClinVar aggregate classification (germline): Uncertain significance (1 of 4 stars; one submission).

Allele frequency attached by ClinVar (database versions not stated): gnomAD exomes below 0.00001.
gnomAD v4.1: 1 of 1,611,428 alleles (0.000062%); highest among the groups gnomAD compares: Non-Finnish European, 0.000085%; no homozygotes.

Submission:

Ambry Genetics
Classification: Uncertain significance. Last evaluated: 2024-02-28. Review status: criteria provided, single submitter. Criteria: Ambry Variant Classification Scheme 2023. Collection method: clinical testing. Allele origin: germline.
Comment: The c.1639+1G>A intronic variant results from a G to A substitution one nucleotide after coding exon 16 of the KIF1B gene. This nucleotide position is highly conserved in available vertebrate species. In silico splice site analysis predicts that this alteration will weaken the native splice donor site. Alterations that disrupt the canonical splice site are expected to cause aberrant splicing, resulting in an abnormal protein or a transcript that is subject to nonsense-mediated mRNA decay. The evidence for this gene-disease relationship is limited; therefore, the clinical significance of this alteration is unclear.